The following is an entry in ClinVar:

ClinVar aggregate classification (germline): Benign. Review status: criteria provided, single submitter (1 of 4 stars). 2 submissions from 2 submitters: Benign (1). 1 of the submissions does not count toward it. Last evaluated 2020-06-11.

Conditions:
SNRNP200-related disorder. Also called: SNRNP200-related condition.

Allele frequency attached by ClinVar (database versions not stated): gnomAD exomes 0.00003 and 0.00006; ExAC 0.00005.
gnomAD v4.1: 47 of 1,614,178 alleles (0.0029%); highest among the groups gnomAD compares: East Asian, 0.1%; no homozygotes.

Submissions (2):

Labcorp Genetics (formerly Invitae), Labcorp
Classification: Benign. Last evaluated: 2020-06-11. Review status: criteria provided, single submitter. Criteria: Invitae Variant Classification Sherloc (09022015). Collection method: clinical testing. Allele origin: germline.

PreventionGenetics, part of Exact Sciences
Classification: Likely benign for SNRNP200-related condition. Last evaluated: 2019-12-16. Review status: no assertion criteria provided. Collection method: clinical testing. Allele origin: germline. Not counted in ClinVar's aggregate classification.
Comment: This variant is classified as likely benign based on ACMG/AMP sequence variant interpretation guidelines (Richards et al. 2015 PMID: 25741868, with internal and published modifications).

NM_014014.5(SNRNP200):c.983-7T>C

Gene: SNRNP200 (small nuclear ribonucleoprotein U5 subunit 200; minus strand). Cytogenetic location: 2q11.2.
Variant type: single nucleotide variant.
Coding change: c.983-7T>C on transcript NM_014014.5 (MANE Select); 7 bases into the intron before coding-DNA position 983, T replaced by C.
Molecular consequence: intron variant.
Genome position (GRCh38, 1-based): chr2:96,298,427, A>G on the plus strand (T>C on the coding strand, the complement: SNRNP200 is on the minus strand). VCF-style: chr2-96298427-A-G. GRCh37 (hg19) VCF-style: chr2-96964165-A-G.
Other names: c.983-7T>C (NM_014014.4).
Identifiers: ClinVar variation 1165158 (VCV001165158.11), dbSNP rs778082108, ClinGen allele CA1779028.
Genomic context (GRCh38, chr2:96,298,427, plus strand): 5'-TCCTTTCCTTTTCAGCTTCACTTTGTGCACTGGCCAGCAAGGTACAGTATAAAACTACCC[A>G]CAACAAAAGGAACAAAGGAAGTGAGGAGGAGGAAATAAGGCAAAAAACCATCCTCAGGGT-3'